The following is an entry in ClinVar:

NM_004656.4(BAP1):c.1179G>T (p.Gln393His)

Gene: BAP1 (BRCA1 associated deubiquitinase 1; minus strand). Cytogenetic location: 3p21.1.
Variant type: single nucleotide variant.
Coding change: c.1179G>T on transcript NM_004656.4 (MANE Select); coding-DNA position 1179, G replaced by T.
Protein change: p.Gln393His; replaces glutamine 393 with histidine.
Molecular consequence: missense variant.
Genome position (GRCh38, 1-based): chr3:52,404,524, C>A on the plus strand (G>T on the coding strand, the complement: BAP1 is on the minus strand). VCF-style: chr3-52404524-C-A. GRCh37 (hg19) VCF-style: chr3-52438540-C-A.
Other names: c.1179G>T (LRG_529t1); short protein forms Q393H.
Identifiers: ClinVar variation 412416 (VCV000412416.22), dbSNP rs771803950, ClinGen allele CA2436880.

ClinVar aggregate classification (germline): Conflicting classifications of pathogenicity. Review status: criteria provided, conflicting classifications (1 of 4 stars). 7 submissions from 7 submitters: Uncertain significance (6); Likely benign (1). Last evaluated 2026-06-16.

Conditions:
BAP1-related disorder. Also called: BAP1-related condition.
Hereditary cancer-predisposing syndrome. Also called: Neoplastic Syndromes, Hereditary; Tumor predisposition; Hereditary Cancer Syndrome; Hereditary neoplastic syndrome. Identifiers: Orphanet 140162, MedGen C0027672, MeSH D009386, MONDO:0015356.
BAP1-related tumor predisposition syndrome (TPDS1). Also called: Tumor susceptibility linked to germline BAP1 mutations; BAP1 tumor predisposition syndrome; COMMON Syndrome; TUMOR PREDISPOSITION SYNDROME 1. Identifiers: Orphanet 289539, MedGen C3280492, MONDO:0013692, OMIM 614327.

Allele frequency attached by ClinVar (database versions not stated): gnomAD 0.00001; ExAC 0.00002; gnomAD exomes 0.00002; TOPMed 0.00002.
gnomAD v4.1: 7 of 1,614,036 alleles (0.00043%); highest among the groups gnomAD compares: Admixed American, 0.01%; no homozygotes.

Submissions (7):

PreventionGenetics, part of Exact Sciences
Classification: Uncertain significance for BAP1-related condition. Last evaluated: 2026-06-16. Review status: criteria provided, single submitter. Criteria: ACMG Guidelines, 2015. Collection method: clinical testing. Allele origin: germline.
Comment: The BAP1 c.1179G>T variant is predicted to result in the amino acid substitution p.Gln393His. To our knowledge, this variant has not been reported in the literature. This variant is reported in 0.017% of alleles in individuals of Latino descent in gnomAD. This variant has conflicting classifications in ClinVar, ranging from uncertain significance to likely benign (Variation ID: 412416). Although we suspect that this variant may be benign, at this time, the clinical significance of this variant is uncertain due to the absence of conclusive functional and genetic evidence.

Labcorp Genetics (formerly Invitae), Labcorp
Classification: Uncertain significance for BAP1-related tumor predisposition syndrome. Last evaluated: 2026-02-03. Review status: criteria provided, single submitter. Criteria: Invitae Variant Classification Sherloc (09022015). Collection method: clinical testing. Allele origin: germline.
Comment: This sequence change replaces glutamine, which is neutral and polar, with histidine, which is basic and polar, at codon 393 of the BAP1 protein (p.Gln393His). This variant is present in population databases (rs771803950, gnomAD 0.02%). This variant has not been reported in the literature in individuals affected with BAP1-related conditions. ClinVar contains an entry for this variant (Variation ID: 412416). Invitae Evidence Modeling of protein sequence and biophysical properties (such as structural, functional, and spatial information, amino acid conservation, physicochemical variation, residue mobility, and thermodynamic stability) indicates that this missense variant is not expected to disrupt BAP1 protein function with a negative predictive value of 80%. In summary, the available evidence is currently insufficient to determine the role of this variant in disease. Therefore, it has been classified as a Variant of Uncertain Significance.

Quest Diagnostics Nichols Institute San Juan Capistrano
Classification: Uncertain significance. Last evaluated: 2024-10-17. Review status: criteria provided, single submitter. Criteria: Quest Diagnostics criteria. Collection method: clinical testing. Allele origin: unknown.
Comment: The BAP1 c.1179G>T (p.Gln393His) variant has not been reported in individuals with BAP1-related conditions in the published literature. The frequency of this variant in the general population, 0.00017 (6/35392 chromosomes (Genome Aggregation Database)), is uninformative in the assessment of its pathogenicity. Analysis of this variant using bioinformatics tools for the prediction of the effect of amino acid changes on protein structure and function yielded conflicting predictions that this variant is benign or damaging. Based on the available information, we are unable to determine the clinical significance of this variant.

Color Diagnostics, LLC DBA Color Health
Classification: Uncertain significance for Hereditary cancer-predisposing syndrome. Last evaluated: 2024-03-06. Review status: criteria provided, single submitter. Criteria: ACMG Guidelines, 2015. Collection method: clinical testing. Allele origin: germline.
Comment: This missense variant replaces glutamine with histidine at codon 393 of the BAP1 protein. Computational prediction suggests that this variant may not impact protein structure and function (internally defined REVEL score threshold <= 0.5, PMID: 27666373). To our knowledge, functional studies have not been reported for this variant. This variant has not been reported in individuals affected with BAP1-related disorders in the literature. This variant has been identified in 6/279708 chromosomes in the general population by the Genome Aggregation Database (gnomAD). The available evidence is insufficient to determine the role of this variant in disease conclusively. Therefore, this variant is classified as a Variant of Uncertain Significance.

GeneDx
Classification: Uncertain significance. Last evaluated: 2022-08-19. Review status: criteria provided, single submitter. Criteria: GeneDx Variant Classification Process June 2021. Collection method: clinical testing. Allele origin: germline. Affected: yes.
Comment: In silico analysis supports that this missense variant does not alter protein structure/function; Has not been previously published as pathogenic or benign to our knowledge

Ambry Genetics
Classification: Likely benign for Hereditary cancer-predisposing syndrome. Last evaluated: 2022-03-11. Review status: criteria provided, single submitter. Criteria: Ambry Variant Classification Scheme 2023. Collection method: clinical testing. Allele origin: germline.

Fulgent Genetics
Classification: Uncertain significance for BAP1-related tumor predisposition syndrome. Last evaluated: 2018-10-31. Review status: criteria provided, single submitter. Criteria: ACMG Guidelines, 2015. Collection method: clinical testing. Allele origin: unknown.